The following is an entry in ClinVar:

NM_181882.3(PRX):c.2771_2772del (p.Lys924fs)

Gene: PRX (periaxin; minus strand). Cytogenetic location: 19q13.2.
Variant type: Deletion.
Coding change: c.2771_2772del on transcript NM_181882.3 (MANE Select); coding-DNA positions 2771 to 2772, 2 bases deleted (AA; older notation c.2771_2772delAA).
Protein change: p.Lys924fs; shifts the reading frame from lysine 924.
Molecular consequence: frameshift variant. On other transcripts: 3 prime UTR variant (1).
Genome position (GRCh38, 1-based): chr19:40,395,580-40,395,581, TT deleted on the plus strand (AA on the coding strand, the reverse complement: PRX is on the minus strand); deleting any 2 consecutive bases within chr19:40,395,580-40,395,583 gives the same sequence; the c. name uses the placement nearest the transcript's 3' end. VCF-style (leftmost placement, unchanged base first): chr19-40395579-CTT-C. GRCh37 (hg19) VCF-style: chr19-40901486-CTT-C.
Other names: c.3056_3057del, p.Lys1019fs (NM_001411127.1); c.*2976_*2977del (NM_020956.2); short protein forms K1019fs, K924fs.
Identifiers: ClinVar variation 4850344 (VCV004850344.1).

ClinVar aggregate classification (germline): Likely pathogenic (1 of 4 stars; one submission).

Conditions:
Charcot-Marie-Tooth disease type 4F. Also called: Charcot-Marie-Tooth disease, demyelinating, type 4F. Identifiers: Orphanet 99952, MedGen C3540453, MONDO:0013959, OMIM 614895.
Dejerine-Sottas disease. Also called: HMSN Type III; Hereditary motor and sensory neuropathy 3; Charcot-Marie-Tooth disease type 3; HEREDITARY MOTOR AND SENSORY NEUROPATHY TYPE III; DEJERINE-SOTTAS NEUROPATHY. Identifiers: Orphanet 64748, MedGen C0011195, MONDO:0007790, OMIM 145900.

Submission:

First Genomix Gene Laboratory, Genetic Diagnostics Department
Classification: Likely pathogenic for Charcot-Marie-Tooth disease type 4F; Dejerine-Sottas disease. Last evaluated: 2025-09-17. Review status: criteria provided, single submitter. Criteria: ACMG Guidelines, 2015. Collection method: clinical testing. Allele origin: germline. Inheritance: Autosomal recessive inheritance. Affected: no. Observed: 1 variant allele.